The following is an entry in ClinVar:

NM_138711.6(PPARG):c.325T>C (p.Cys109Arg)

Gene: PPARG (peroxisome proliferator activated receptor gamma; plus strand). Cytogenetic location: 3p25.2.
Variant type: single nucleotide variant.
Coding change: c.325T>C on transcript NM_138711.6 (MANE Select); coding-DNA position 325, T replaced by C.
Protein change: p.Cys109Arg; replaces cysteine 109 with arginine.
Molecular consequence: missense variant. On other transcripts: 5 prime UTR variant (1).
Genome position (GRCh38, 1-based): chr3:12,381,426, T>C. VCF-style: chr3-12381426-T-C. GRCh37 (hg19) VCF-style: chr3-12422925-T-C.
Other names: c.325T>C, p.Cys109Arg (NM_001330615.4, NM_001354666.3, NM_001354667.3 and 6 more transcripts); c.415T>C, p.Cys139Arg (NM_001354668.2, NM_001374265.1, NM_015869.5); c.-103T>C (NM_001354669.2); c.331T>C, p.Cys111Arg (NM_001354670.2, NM_001374266.1); short protein forms C109R, C111R, C139R.
Identifiers: ClinVar variation 4071676 (VCV004071676.1).

ClinVar aggregate classification (germline): Uncertain significance (1 of 4 stars; one submission).

Submission:

GeneDx
Classification: Uncertain significance. Last evaluated: 2025-01-27. Review status: criteria provided, single submitter. Criteria: GeneDx Variant Classification Process June 2021. Collection method: clinical testing. Allele origin: germline. Affected: yes.
Comment: Not observed at significant frequency in large population cohorts (gnomAD); In silico analysis supports that this missense variant has a deleterious effect on protein structure/function; Has not been previously published as pathogenic or benign to our knowledge